The following is an entry in ClinVar:

ClinVar aggregate classification (germline): Uncertain significance (1 of 4 stars; one submission).

Allele frequency attached by ClinVar (database versions not stated): ExAC 0.00001; gnomAD 0.00001.
gnomAD v4.1: 17 of 1,613,814 alleles (0.0011%); highest among the groups gnomAD compares: Middle Eastern, 0.016%; no homozygotes.

Submission:

Labcorp Genetics (formerly Invitae), Labcorp
Classification: Uncertain significance. Last evaluated: 2022-07-11. Review status: criteria provided, single submitter. Criteria: Invitae Variant Classification Sherloc (09022015). Collection method: clinical testing. Allele origin: germline.
Comment: This sequence change replaces proline, which is neutral and non-polar, with leucine, which is neutral and non-polar, at codon 361 of the SH3PXD2B protein (p.Pro361Leu). This variant is present in population databases (rs753485676, gnomAD 0.01%). This variant has not been reported in the literature in individuals affected with SH3PXD2B-related conditions. Algorithms developed to predict the effect of missense changes on protein structure and function (SIFT, PolyPhen-2, Align-GVGD) all suggest that this variant is likely to be disruptive. In summary, the available evidence is currently insufficient to determine the role of this variant in disease. Therefore, it has been classified as a Variant of Uncertain Significance.

NM_001017995.3(SH3PXD2B):c.1082C>T (p.Pro361Leu)

Gene: SH3PXD2B (SH3 and PX domains 2B; minus strand). Cytogenetic location: 5q35.1.
Variant type: single nucleotide variant.
Coding change: c.1082C>T on transcript NM_001017995.3 (MANE Select); coding-DNA position 1082, C replaced by T.
Protein change: p.Pro361Leu; replaces proline 361 with leucine.
Molecular consequence: missense variant.
Genome position (GRCh38, 1-based): chr5:172,346,242, G>A on the plus strand (C>T on the coding strand, the complement: SH3PXD2B is on the minus strand). VCF-style: chr5-172346242-G-A. GRCh37 (hg19) VCF-style: chr5-171773246-G-A.
Other names: c.1082C>T, p.Pro361Leu (NM_001308175.2); short protein forms P361L.
Identifiers: ClinVar variation 1900885 (VCV001900885.2), dbSNP rs753485676, ClinGen allele CA3561298.